The following is an entry in ClinVar:

NM_014491.4(FOXP2):c.715C>T (p.Gln239Ter)

Gene: FOXP2 (forkhead box P2; plus strand). Cytogenetic location: 7q31.1.
Variant type: single nucleotide variant.
Coding change: c.715C>T on transcript NM_014491.4 (MANE Select); coding-DNA position 715, C replaced by T.
Protein change: p.Gln239Ter; replaces glutamine 239 with a stop codon.
Molecular consequence: nonsense. On other transcripts: non-coding transcript variant (2).
Genome position (GRCh38, 1-based): chr7:114,631,645, C>T. VCF-style: chr7-114631645-C-T. GRCh37 (hg19) VCF-style: chr7-114271700-C-T.
Other names: c.712C>T, p.Gln238Ter (NM_001172766.3); c.790C>T, p.Gln264Ter (NM_001172767.2, NM_148898.4); c.715C>T, p.Gln239Ter (NM_148899.3); c.766C>T, p.Gln256Ter (NM_148900.4); short protein forms Q239*, Q256*, Q238*, Q264*.
Identifiers: ClinVar variation 620422 (VCV000620422.2), dbSNP rs1563047452, ClinGen allele CA368962897.

ClinVar aggregate classification (germline): Pathogenic (1 of 4 stars; one submission).

Submission:

GeneDx
Classification: Pathogenic. Last evaluated: 2024-05-16. Review status: criteria provided, single submitter. Criteria: GeneDx Variant Classification Process June 2021. Collection method: clinical testing. Allele origin: germline. Affected: yes.
Comment: Nonsense variant predicted to result in protein truncation or nonsense mediated decay in a gene for which loss of function is a known mechanism of disease; Not observed at significant frequency in large population cohorts (gnomAD); Has not been previously published as pathogenic or benign to our knowledge